The following is an entry in ClinVar:

NM_006767.4(LZTR1):c.1715C>T (p.Ala572Val)

Gene: LZTR1 (leucine zipper like post translational regulator 1; plus strand). Cytogenetic location: 22q11.21.
Variant type: single nucleotide variant.
Coding change: c.1715C>T on transcript NM_006767.4 (MANE Select); coding-DNA position 1715, C replaced by T.
Protein change: p.Ala572Val; replaces alanine 572 with valine.
Molecular consequence: missense variant.
Genome position (GRCh38, 1-based): chr22:20,994,657, C>T. VCF-style: chr22-20994657-C-T. GRCh37 (hg19) VCF-style: chr22-21348946-C-T.
Other names: short protein forms A572V.
Identifiers: ClinVar variation 3541596 (VCV003541596.1).

ClinVar aggregate classification (germline): Uncertain significance (1 of 4 stars; one submission).

Conditions:
Hereditary cancer-predisposing syndrome. Also called: Hereditary Cancer Syndrome; Hereditary neoplastic syndrome; Tumor predisposition; Neoplastic Syndromes, Hereditary. Identifiers: Orphanet 140162, MedGen C0027672, MeSH D009386, MONDO:0015356.
Cardiovascular phenotype. Identifiers: MedGen CN230736.

gnomAD v4.1: 1 of 1,612,936 alleles (0.000062%); highest among the groups gnomAD compares: South Asian, 0.0011%; no homozygotes.

Submission:

Ambry Genetics
Classification: Uncertain significance for Cardiovascular phenotype; Hereditary cancer-predisposing syndrome. Last evaluated: 2024-08-05. Review status: criteria provided, single submitter. Criteria: Ambry Variant Classification Scheme 2023. Collection method: clinical testing. Allele origin: germline.
Comment: The p.A572V variant (also known as c.1715C>T), located in coding exon 15 of the LZTR1 gene, results from a C to T substitution at nucleotide position 1715. The alanine at codon 572 is replaced by valine, an amino acid with similar properties. This amino acid position is conserved. In addition, the in silico prediction for this alteration is inconclusive. Based on the available evidence, the clinical significance of this variant remains unclear.